The following is an entry in ClinVar:

ClinVar aggregate classification (germline): Pathogenic (1 of 4 stars; one submission).

Conditions:
Osteogenesis imperfecta type I (OI1). Also called: Lobstein disease; Classic Non-deforming Osteogenesis Imperfecta with Blue Sclerae; OI, TYPE I; OSTEOGENESIS IMPERFECTA TARDA; OSTEOGENESIS IMPERFECTA WITH BLUE SCLERAE; Osteogenesis imperfecta type 1. Identifiers: Orphanet 216796, Orphanet 666, MedGen C0023931, MONDO:0008146, OMIM 166200. Disease mechanism: loss of function.

Submission:

Labcorp Genetics (formerly Invitae), Labcorp
Classification: Pathogenic for Osteogenesis imperfecta type I. Last evaluated: 2025-09-30. Review status: criteria provided, single submitter. Criteria: Invitae Variant Classification Sherloc (09022015). Collection method: clinical testing. Allele origin: germline.
Comment: This sequence change creates a premature translational stop signal (p.Lys397*) in the COL1A1 gene. It is expected to result in an absent or disrupted protein product. Loss-of-function variants in COL1A1 are known to be pathogenic (PMID: 7942841, 9295084, 9443882). This variant is not present in population databases (gnomAD no frequency). This variant has not been reported in the literature in individuals affected with COL1A1-related conditions. For these reasons, this variant has been classified as Pathogenic.

Literature cited by the submitters: PubMed 7942841; PubMed 9295084; PubMed 9443882.

NM_000088.4(COL1A1):c.1188dup (p.Lys397Ter)

Gene: COL1A1 (collagen type I alpha 1 chain; minus strand). Cytogenetic location: 17q21.33.
Variant type: Duplication.
Coding change: c.1188dup on transcript NM_000088.4 (MANE Select); coding-DNA position 1188, one base duplicated (T; older notation c.1188dupT).
Protein change: p.Lys397Ter; replaces lysine 397 with a stop codon.
Molecular consequence: nonsense.
Genome position (GRCh38, 1-based): chr17:50,195,446, A duplicated on the plus strand (T on the coding strand, the reverse complement: COL1A1 is on the minus strand). VCF-style (leftmost placement, unchanged base first): chr17-50195445-T-TA. GRCh37 (hg19) VCF-style: chr17-48272806-T-TA.
Other names: short protein forms K397*.
Identifiers: ClinVar variation 4728165 (VCV004728165.1).